The following is an entry in ClinVar:

ClinVar aggregate classification (germline): Uncertain significance (1 of 4 stars; one submission).

Submission:

Women's Health and Genetics/Laboratory Corporation of America, LabCorp
Classification: Uncertain significance. Last evaluated: 2018-08-03. Review status: criteria provided, single submitter. Criteria: LabCorp Variant Classification Summary - May 2015. Collection method: clinical testing. Allele origin: germline.
Comment: Variant summary: FAM175A c.-5G>C is located in the 5'-untranslated mRNA region upstream of the initiation codon. The variant was absent in 251082 control chromosomes (gnomAD). The available data on variant occurrences in the general population are insufficient to allow any conclusion about variant significance. To our knowledge, no occurrence of c.-5G>C in individuals affected with Hereditary Breast and Ovarian Cancer and no experimental evidence demonstrating its impact on protein function have been reported. No clinical diagnostic laboratories have submitted clinical-significance assessments for this variant to ClinVar after 2014. Based on the evidence outlined above, the variant was classified as uncertain significance.

NM_139076.3(ABRAXAS1):c.-5G>C

Genes: ABRAXAS1 (abraxas 1, BRCA1 A complex subunit; minus strand), LOC129992784 (ATAC-STARR-seq lymphoblastoid silent region 15542; plus strand). Cytogenetic location: 4q21.23.
Variant type: single nucleotide variant.
Coding change: c.-5G>C on transcript NM_139076.3 (MANE Select); 5 bases upstream of the start codon, G replaced by C.
Molecular consequence: 5 prime UTR variant.
Genome position (GRCh38, 1-based): chr4:83,485,077, C>G on the plus strand (G>C on the coding strand, the complement: ABRAXAS1 is on the minus strand). VCF-style: chr4-83485077-C-G. GRCh37 (hg19) VCF-style: chr4-84406230-C-G.
Other names: c.-265G>C (NM_001345962.2).
Identifiers: ClinVar variation 633202 (VCV000633202.1), dbSNP rs1420806723, ClinGen allele CA913189898.